The following is an entry in ClinVar:

ClinVar aggregate classification (germline): Uncertain significance. Review status: criteria provided, multiple submitters, no conflicts (2 of 4 stars). 2 submissions from 2 submitters: Uncertain significance (2). Last evaluated 2024-09-30.

Conditions:
Inborn genetic diseases. Identifiers: MedGen C0950123, MeSH D030342.

Allele frequency attached by ClinVar (database versions not stated): TOPMed below 0.00001; gnomAD 0.00001; gnomAD exomes 0.00001 and 0.00002.
gnomAD v4.1: 21 of 1,543,976 alleles (0.0014%); highest among the groups gnomAD compares: Non-Finnish European, 0.0017%; no homozygotes.

Submissions (2):

Ambry Genetics
Classification: Uncertain significance for Inborn genetic diseases. Last evaluated: 2024-09-30. Review status: criteria provided, single submitter. Criteria: Ambry Variant Classification Scheme 2023. Collection method: clinical testing. Allele origin: germline.
Comment: The p.E317D variant (also known as c.951G>C), located in coding exon 11 of the ERCC2 gene, results from a G to C substitution at nucleotide position 951. The glutamic acid at codon 317 is replaced by aspartic acid, an amino acid with highly similar properties. This amino acid position is conserved. In addition, the in silico prediction for this alteration is inconclusive. Since supporting evidence is limited at this time, the clinical significance of this alteration remains unclear.

Labcorp Genetics (formerly Invitae), Labcorp
Classification: Uncertain significance. Last evaluated: 2021-07-26. Review status: criteria provided, single submitter. Criteria: Invitae Variant Classification Sherloc (09022015). Collection method: clinical testing. Allele origin: germline.
Comment: In summary, the available evidence is currently insufficient to determine the role of this variant in disease. Therefore, it has been classified as a Variant of Uncertain Significance. Algorithms developed to predict the effect of missense changes on protein structure and function are either unavailable or do not agree on the potential impact of this missense change (SIFT: "Deleterious"; PolyPhen-2: "Benign"; Align-GVGD: "Class C0"). This variant has not been reported in the literature in individuals affected with ERCC2-related conditions. The frequency data for this variant in the population databases is considered unreliable, as metrics indicate insufficient coverage at this position in the ExAC database. This sequence change replaces glutamic acid with aspartic acid at codon 317 of the ERCC2 protein (p.Glu317Asp). The glutamic acid residue is highly conserved and there is a small physicochemical difference between glutamic acid and aspartic acid.

NM_000400.4(ERCC2):c.951G>C (p.Glu317Asp)

Gene: ERCC2 (ERCC excision repair 2, TFIIH core complex helicase subunit; minus strand). Cytogenetic location: 19q13.32.
Variant type: single nucleotide variant.
Coding change: c.951G>C on transcript NM_000400.4 (MANE Select); coding-DNA position 951, G replaced by C.
Protein change: p.Glu317Asp; replaces glutamic acid 317 with aspartic acid.
Molecular consequence: missense variant.
Genome position (GRCh38, 1-based): chr19:45,363,910, C>G on the plus strand (G>C on the coding strand, the complement: ERCC2 is on the minus strand). VCF-style: chr19-45363910-C-G. GRCh37 (hg19) VCF-style: chr19-45867168-C-G.
Other names: c.879G>C, p.Glu293Asp (NM_001130867.2); short protein forms E293D, E317D.
Identifiers: ClinVar variation 1364771 (VCV001364771.9), dbSNP rs1383411854, ClinGen allele CA406373174.
Genomic context (GRCh38, chr19:45,363,910, plus strand): 5'-CAGCAGCCGCCTCAGGAAGCCCAGGAAATGCTCGGCCGTGCGGATGGAGCCAGGCACTGC[C>G]TCTGCGAGGAGACGCTATCAGCGGCGACGGGGAGGCGGGAAAGGGACTGGGGGGCAGCGG-3'
Protein context (NP_000391.1, residues 307-327): NPVLPDEVLQ[Glu317Asp]AVPGSIRTAE